The following is an entry in ClinVar:

NM_005450.6(NOG):c.549G>A (p.Ser183=)

Gene: NOG (noggin; plus strand). Cytogenetic location: 17q22.
Variant type: single nucleotide variant.
Coding change: c.549G>A on transcript NM_005450.6 (MANE Select); coding-DNA position 549, G replaced by A.
Protein change: p.Ser183=; no amino-acid change (serine 183 retained).
Molecular consequence: synonymous variant.
Genome position (GRCh38, 1-based): chr17:56,594,772, G>A. VCF-style: chr17-56594772-G-A. GRCh37 (hg19) VCF-style: chr17-54672133-G-A.
Identifiers: ClinVar variation 2893794 (VCV002893794.3), dbSNP rs772012301, ClinGen allele CA8663217.
Genomic context (GRCh38, chr17:56,594,772, plus strand): 5'-CCTGGGCAGCCGCTTTTGGCCGCGCTACGTGAAGGTGGGCAGCTGCTTCAGTAAGCGCTC[G>A]TGCTCCGTGCCCGAGGGCATGGTGTGCAAGCCGTCCAAGTCCGTGCACCTCACGGTGCTG-3'
Protein context (NP_005441.1, residues 173-193): VKVGSCFSKR[Ser183=]CSVPEGMVCK

ClinVar aggregate classification (germline): Uncertain significance (1 of 4 stars; one submission).

Allele frequency attached by ClinVar (database versions not stated): ExAC 0.00001.
gnomAD v4.1: 16 of 1,613,460 alleles (0.00099%); highest among the groups gnomAD compares: Non-Finnish European, 0.0014%; no homozygotes.

Submission:

Labcorp Genetics (formerly Invitae), Labcorp
Classification: Uncertain significance. Last evaluated: 2023-12-02. Review status: criteria provided, single submitter. Criteria: Invitae Variant Classification Sherloc (09022015). Collection method: clinical testing. Allele origin: germline.
Comment: This sequence change affects codon 183 of the NOG mRNA. It is a 'silent' change, meaning that it does not change the encoded amino acid sequence of the NOG protein. The frequency data for this variant in the population databases is considered unreliable, as metrics indicate poor data quality at this position in the gnomAD database. This variant has not been reported in the literature in individuals affected with NOG-related conditions. In summary, the available evidence is currently insufficient to determine the role of this variant in disease. Therefore, it has been classified as a Variant of Uncertain Significance.